The following is an entry in ClinVar:

NM_015102.5(NPHP4):c.2704C>T (p.Gln902Ter)

Gene: NPHP4 (nephrocystin 4; minus strand). Cytogenetic location: 1p36.31.
Variant type: single nucleotide variant.
Coding change: c.2704C>T on transcript NM_015102.5 (MANE Select); coding-DNA position 2704, C replaced by T.
Protein change: p.Gln902Ter; replaces glutamine 902 with a stop codon.
Molecular consequence: nonsense. On other transcripts: non-coding transcript variant (1).
Genome position (GRCh38, 1-based): chr1:5,877,206, G>A on the plus strand (C>T on the coding strand, the complement: NPHP4 is on the minus strand). VCF-style: chr1-5877206-G-A. GRCh37 (hg19) VCF-style: chr1-5937266-G-A.
Other names: c.1165C>T, p.Gln389Ter (NM_001291593.2); c.1168C>T, p.Gln390Ter (NM_001291594.2); short protein forms Q389*, Q390*, Q902*.
Identifiers: ClinVar variation 4813048 (VCV004813048.2).

ClinVar aggregate classification (germline): Likely pathogenic. Review status: criteria provided, multiple submitters, no conflicts (2 of 4 stars). 3 submissions from 2 submitters: Likely pathogenic (3). Last evaluated 2025-07-02.

Conditions:
Nephronophthisis 4 (NPHP4). Also called: NEPHRONOPHTHISIS 4, JUVENILE. Identifiers: Orphanet 655, MedGen C1847013, MONDO:0011752, OMIM 606966.
Autosomal recessive NPHP4-related disorders.
NPHP4-related disorder. Also called: NPHP4-related condition; NPHP4-related disorders. Identifiers: MedGen CN239384.

Submissions (3):

Variantyx, Inc.
Classification: Likely pathogenic for Autosomal recessive NPHP4-related disorders. Last evaluated: 2025-07-02. Review status: criteria provided, single submitter. Criteria: Variantyx Assertion Criteria 2022. Collection method: clinical testing. Allele origin: germline. Inheritance: Autosomal recessive inheritance.
Comment: This is a nonsense variant in the NPHP4 gene (OMIM: 607215). Pathogenic variants in this gene have been associated with autosomal recessive NPHP4-related disorders. This variant introduces a premature termination codon in exon 20 out of 30. It is expected to result in loss of function, which is a known disease mechanism for NPHP4 in this disorder (PMID: 23574405, 12205563) (PVS1). This variant is absent from control populations (PM2). Based on the current evidence, this variant is classified as likely pathogenic for autosomal recessive NPHP4-related disorders.

Variantyx, Inc.
Classification: Likely pathogenic for Nephronophthisis 4. Last evaluated: 2025-03-20. Review status: criteria provided, single submitter. Criteria: Variantyx Assertion Criteria 2022. Collection method: clinical testing. Allele origin: germline. Inheritance: Autosomal recessive inheritance.
Comment: This is a nonsense variant in the NPHP4 gene (OMIM: 607215). Pathogenic variants in this gene have been associated with autosomal recessive NPHP4-related disorders. This variant introduces a premature termination codon in exon 20 out of 30 and is expected to result in loss of function, which is a known disease mechanism for NPHP4 in this disorder (PMID: 23574405, 12205563) (PVS1). This variant is absent from control populations (PM2_Supporting). Based on the current evidence, this variant is classified as likely pathogenic for autosomal recessive NPHP4-related disorders.

Blueprint Genetics
Classification: Likely pathogenic for NPHP4-related disorders. Last evaluated: 2019-07-30. Review status: criteria provided, single submitter. Criteria: ACMG Guidelines, 2015. Collection method: clinical testing. Allele origin: germline. Affected: yes. Observed: 1 variant allele.

Literature cited by the submitters: PubMed 23574405 (cited by Variantyx, Inc.); PubMed 12205563 (cited by Variantyx, Inc.).